The following is an entry in ClinVar:

ClinVar aggregate classification (germline): Pathogenic (1 of 4 stars; one submission).

Conditions:
Tuberous sclerosis 1 (TSC1). Identifiers: Orphanet 805, MedGen C1854465, MONDO:0008612, OMIM 191100.

Submission:

Labcorp Genetics (formerly Invitae), Labcorp
Classification: Pathogenic for Tuberous sclerosis 1. Last evaluated: 2024-01-30. Review status: criteria provided, single submitter. Criteria: Invitae Variant Classification Sherloc (09022015). Collection method: clinical testing. Allele origin: unknown.
Comment: This variant is a gross deletion of the genomic region encompassing exon(s) 5-23 of the TSC1 gene, which includes the termination codon. This deletion extends beyond the assayed region for this gene and therefore may encompass additional genes. While this deletion is not anticipated to lead to nonsense mediated decay, it is expected to alter mRNA translation or result in a truncated protein product. A similar copy number variant has been observed in individual(s) with clinical features of tuberous sclerosis (Invitae). The region of the TSC1 gene that includes exon(s) 21-23 has been determined to be clinically significant (PMID: 11281455, 16225402, 17287951). Therefore, deletions that encompass that region are likely to be disease-causing. For these reasons, this variant has been classified as Pathogenic.

Literature cited by the submitters: PubMed 11281455; PubMed 16225402; PubMed 17287951.

NC_000009.11:g.(?_135771622)_(135801146_?)del

Gene: TSC1 (TSC complex subunit 1; minus strand). Cytogenetic location: 9q34.13.
Variant type: Deletion.
Identifiers: ClinVar variation 3245189 (VCV003245189.1).